The following is an entry in ClinVar:

NM_030962.4(SBF2):c.1553C>A (p.Ala518Asp)

Gene: SBF2 (SET binding factor 2; minus strand). Cytogenetic location: 11p15.4.
Variant type: single nucleotide variant.
Coding change: c.1553C>A on transcript NM_030962.4 (MANE Select); coding-DNA position 1553, C replaced by A.
Protein change: p.Ala518Asp; replaces alanine 518 with aspartic acid.
Molecular consequence: missense variant.
Genome position (GRCh38, 1-based): chr11:9,968,388, G>T on the plus strand (C>A on the coding strand, the complement: SBF2 is on the minus strand). VCF-style: chr11-9968388-G-T. GRCh37 (hg19) VCF-style: chr11-9989935-G-T.
Other names: c.1553C>A, p.Ala518Asp (NM_001386339.1); c.1424C>A, p.Ala475Asp (NM_001386342.1); short protein forms A518D, A475D.
Identifiers: ClinVar variation 1018985 (VCV001018985.7), dbSNP rs1474146157, ClinGen allele CA379629681.

ClinVar aggregate classification (germline): Uncertain significance (1 of 4 stars; one submission).

Conditions:
Charcot-Marie-Tooth disease type 4. Also called: Charcot-Marie-Tooth disease, type IV; Charcot-Marie-Tooth, Type 4. Identifiers: Orphanet 64749, MedGen C4082197, MONDO:0018995.

gnomAD v4.1: 7 of 1,614,114 alleles (0.00043%); highest among the groups gnomAD compares: Non-Finnish European, 0.00059%; no homozygotes.

Submission:

Labcorp Genetics (formerly Invitae), Labcorp
Classification: Uncertain significance for Charcot-Marie-Tooth disease type 4. Last evaluated: 2020-02-20. Review status: criteria provided, single submitter. Criteria: Invitae Variant Classification Sherloc (09022015). Collection method: clinical testing. Allele origin: germline.
Comment: In summary, the available evidence is currently insufficient to determine the role of this variant in disease. Therefore, it has been classified as a Variant of Uncertain Significance. Algorithms developed to predict the effect of missense changes on protein structure and function (SIFT, PolyPhen-2, Align-GVGD) all suggest that this variant is likely to be tolerated, but these predictions have not been confirmed by published functional studies and their clinical significance is uncertain. This variant has not been reported in the literature in individuals with SBF2-related conditions. This variant is not present in population databases (ExAC no frequency). This sequence change replaces alanine with aspartic acid at codon 518 of the SBF2 protein (p.Ala518Asp). The alanine residue is weakly conserved and there is a moderate physicochemical difference between alanine and aspartic acid.